The following is an entry in ClinVar:

ClinVar aggregate classification (germline): Likely benign. Review status: criteria provided, multiple submitters, no conflicts (2 of 4 stars). 3 submissions from 3 submitters: Likely benign (2). 1 of the submissions does not count toward it. Last evaluated 2024-01-26.

Conditions:
PEX1-related disorder. Also called: PEX1-related condition.
Zellweger spectrum disorders (ZS). Also called: Zellweger syndrome; Zellweger Spectrum Disorder; Zellweger Spectrum; Zellweger Spectrum Disorder (ZSD). Identifiers: Orphanet 912, MedGen C0043459, MONDO:0019609.

Allele frequency attached by ClinVar (database versions not stated): gnomAD 0.00003.
gnomAD v4.1: 5 of 1,590,134 alleles (0.00031%); highest among the groups gnomAD compares: Admixed American, 0.005%; no homozygotes.

Submissions (3):

Labcorp Genetics (formerly Invitae), Labcorp
Classification: Likely benign for Zellweger spectrum disorders. Last evaluated: 2024-01-26. Review status: criteria provided, single submitter. Criteria: Invitae Variant Classification Sherloc (09022015). Collection method: clinical testing. Allele origin: germline.

Blueprint Genetics
Classification: Likely benign. Last evaluated: 2022-08-10. Review status: criteria provided, single submitter. Criteria: ACMG Guidelines, 2015. Collection method: clinical testing. Allele origin: germline.

PreventionGenetics, part of Exact Sciences
Classification: Likely benign for PEX1-related condition. Last evaluated: 2022-07-29. Review status: no assertion criteria provided. Collection method: clinical testing. Allele origin: germline. Not counted in ClinVar's aggregate classification.
Comment: This variant is classified as likely benign based on ACMG/AMP sequence variant interpretation guidelines (Richards et al. 2015 PMID: 25741868, with internal and published modifications).

NM_000466.3(PEX1):c.363G>T (p.Leu121=)

Gene: PEX1 (peroxisomal biogenesis factor 1; minus strand). Cytogenetic location: 7q21.2.
Variant type: single nucleotide variant.
Coding change: c.363G>T on transcript NM_000466.3 (MANE Select); coding-DNA position 363, G replaced by T.
Protein change: p.Leu121=; no amino-acid change (leucine 121 retained).
Molecular consequence: synonymous variant. On other transcripts: 5 prime UTR variant (1).
Genome position (GRCh38, 1-based): chr7:92,518,250, C>A on the plus strand (G>T on the coding strand, the complement: PEX1 is on the minus strand). VCF-style: chr7-92518250-C-A. GRCh37 (hg19) VCF-style: chr7-92147564-C-A.
Other names: c.363G>T, p.Leu121= (NM_001282677.2); c.-262G>T (NM_001282678.2); c.363G>T (NM_000466.2).
Identifiers: ClinVar variation 1123643 (VCV001123643.11), dbSNP rs200866361, ClinGen allele CA161974150.